The following is an entry in ClinVar:

ClinVar aggregate classification (germline): Uncertain significance (1 of 4 stars; one submission).

Submission:

Labcorp Genetics (formerly Invitae), Labcorp
Classification: Uncertain significance. Last evaluated: 2025-01-06. Review status: criteria provided, single submitter. Criteria: Invitae Variant Classification Sherloc (09022015). Collection method: clinical testing. Allele origin: germline.
Comment: This sequence change replaces valine, which is neutral and non-polar, with leucine, which is neutral and non-polar, at codon 361 of the PPP2R5D protein (p.Val361Leu). This variant is not present in population databases (gnomAD no frequency). This variant has not been reported in the literature in individuals affected with PPP2R5D-related conditions. ClinVar contains an entry for this variant (Variation ID: 2075777). An algorithm developed to predict the effect of missense changes on protein structure and function (PolyPhen-2) suggests that this variant is likely to be disruptive. In summary, the available evidence is currently insufficient to determine the role of this variant in disease. Therefore, it has been classified as a Variant of Uncertain Significance.

NM_006245.4(PPP2R5D):c.1081G>T (p.Val361Leu)

Gene: PPP2R5D (protein phosphatase 2 regulatory subunit B'delta; plus strand). Cytogenetic location: 6p21.1.
Variant type: single nucleotide variant.
Coding change: c.1081G>T on transcript NM_006245.4 (MANE Select); coding-DNA position 1081, G replaced by T.
Protein change: p.Val361Leu; replaces valine 361 with leucine.
Molecular consequence: missense variant.
Genome position (GRCh38, 1-based): chr6:43,009,057, G>T. VCF-style: chr6-43009057-G-T. GRCh37 (hg19) VCF-style: chr6-42976795-G-T.
Other names: c.628G>T, p.Val210Leu (NM_001270476.2); c.985G>T, p.Val329Leu (NM_180976.3); c.763G>T, p.Val255Leu (NM_180977.3); short protein forms V329L, V361L, V210L, V255L.
Identifiers: ClinVar variation 2075777 (VCV002075777.4), dbSNP rs2532484202, ClinGen allele CA364192928.